The following is an entry in ClinVar:

ClinVar aggregate classification (germline): Uncertain significance. Review status: criteria provided, multiple submitters, no conflicts (2 of 4 stars). 3 submissions from 3 submitters: Uncertain significance (3). Last evaluated 2026-03-24.

Conditions:
Meckel-Gruber syndrome. Also called: Dysencephalia splachnocystica; DYSENCEPHALIA SPLANCHNOCYSTICA; GRUBER SYNDROME. Identifiers: Orphanet 564, MedGen C0265215, MONDO:0018921.
Joubert syndrome. Also called: Familial aplasia of the vermis; JOUBERT-BOLTSHAUSER SYNDROME. Identifiers: Orphanet 475, MedGen C5979921, MONDO:0018772.
Meckel syndrome, type 6. Identifiers: Orphanet 564, MedGen C2676790, MONDO:0012848, OMIM 612284.

Allele frequency attached by ClinVar (database versions not stated): TOPMed 0.00002.

Submissions (3):

GeneDx
Classification: Uncertain significance. Last evaluated: 2026-03-24. Review status: criteria provided, single submitter. Criteria: GeneDx Variant Classification Process June 2021. Collection method: clinical testing. Allele origin: germline.
Comment: Not observed at significant frequency in large population cohorts (gnomAD); In silico analysis supports that this missense variant has a deleterious effect on protein structure/function; Has not been previously published as pathogenic or benign to our knowledge

Labcorp Genetics (formerly Invitae), Labcorp
Classification: Uncertain significance for Joubert syndrome; Meckel-Gruber syndrome. Last evaluated: 2024-12-02. Review status: criteria provided, single submitter. Criteria: Invitae Variant Classification Sherloc (09022015). Collection method: clinical testing. Allele origin: germline.
Comment: This sequence change replaces phenylalanine, which is neutral and non-polar, with serine, which is neutral and polar, at codon 168 of the CC2D2A protein (p.Phe168Ser). This variant is not present in population databases (gnomAD no frequency). This variant has not been reported in the literature in individuals affected with CC2D2A-related conditions. ClinVar contains an entry for this variant (Variation ID: 963381). Invitae Evidence Modeling of protein sequence and biophysical properties (such as structural, functional, and spatial information, amino acid conservation, physicochemical variation, residue mobility, and thermodynamic stability) has been performed for this missense variant. However, the output from this modeling did not meet the statistical confidence thresholds required to predict the impact of this variant on CC2D2A protein function. In summary, the available evidence is currently insufficient to determine the role of this variant in disease. Therefore, it has been classified as a Variant of Uncertain Significance.

Baylor Genetics
Classification: Uncertain significance for Meckel syndrome, type 6. Last evaluated: 2020-10-08. Review status: criteria provided, single submitter. Criteria: ACMG Guidelines, 2015. Collection method: clinical testing. Allele origin: unknown. Affected: yes.
Comment: This variant was determined to be of uncertain significance according to ACMG Guidelines, 2015 [PMID:25741868].

NM_001378615.1(CC2D2A):c.503T>C (p.Phe168Ser)

Genes: CC2D2A (coiled-coil and C2 domain containing 2A; plus strand), FBXL5 (F-box and leucine rich repeat protein 5; minus strand). Cytogenetic location: 4p15.32.
Variant type: single nucleotide variant.
Coding change: c.503T>C on transcript NM_001378615.1 (MANE Select); coding-DNA position 503, T replaced by C.
Protein change: p.Phe168Ser; replaces phenylalanine 168 with serine.
Molecular consequence: missense variant.
Genome position (GRCh38, 1-based): chr4:15,510,203, T>C. VCF-style: chr4-15510203-T-C. GRCh37 (hg19) VCF-style: chr4-15511826-T-C.
Other names: c.503T>C, p.Phe168Ser (NM_001080522.2); c.356T>C, p.Phe119Ser (NM_001378617.1); short protein forms F119S, F168S.
Identifiers: ClinVar variation 963381 (VCV000963381.9), dbSNP rs1226794909, ClinGen allele CA356408619.